The following is an entry in ClinVar:

NM_016222.4(DDX41):c.98A>G (p.Tyr33Cys)

Gene: DDX41 (DEAD-box helicase 41; minus strand). Cytogenetic location: 5q35.3.
Variant type: single nucleotide variant.
Coding change: c.98A>G on transcript NM_016222.4 (MANE Select); coding-DNA position 98, A replaced by G.
Protein change: p.Tyr33Cys; replaces tyrosine 33 with cysteine.
Molecular consequence: missense variant. On other transcripts: 5 prime UTR variant (2).
Genome position (GRCh38, 1-based): chr5:177,516,765, T>C on the plus strand (A>G on the coding strand, the complement: DDX41 is on the minus strand). VCF-style: chr5-177516765-T-C. GRCh37 (hg19) VCF-style: chr5-176943766-T-C.
Other names: c.-558A>G (NM_001321732.2); c.-350A>G (NM_001321830.2); short protein forms Y33C.
Identifiers: ClinVar variation 4010293 (VCV004010293.2).
Genomic context (GRCh38, chr5:177,516,765, plus strand): 5'-CCCGGACGCGTGCCCCTCACCAGTAGCTGCCGGCGCTGCCGTAACGGCACATAGGGCACG[T>C]AGTCCTCGTCGTCCTCATCTTCCGCCTCGGAGCGGCTTCCTCCGGCAGGCACCTCGTCGG-3'
Protein context (NP_057306.2, residues 23-43): SEAEDEDDED[Tyr33Cys]VPYVPLRQRR

ClinVar aggregate classification (germline): Uncertain significance. Review status: criteria provided, multiple submitters, no conflicts (2 of 4 stars). 2 submissions from 2 submitters: Uncertain significance (2). Last evaluated 2025-10-29.

Conditions:
Inborn genetic diseases. Identifiers: MedGen C0950123, MeSH D030342.

gnomAD v4.1: 12 of 1,611,598 alleles (0.00074%); highest among the groups gnomAD compares: East Asian, 0.02%; no homozygotes.

Submissions (2):

Labcorp Genetics (formerly Invitae), Labcorp
Classification: Uncertain significance. Last evaluated: 2025-10-29. Review status: criteria provided, single submitter. Criteria: Invitae Variant Classification Sherloc (09022015). Collection method: clinical testing. Allele origin: germline.
Comment: This sequence change replaces tyrosine, which is neutral and polar, with cysteine, which is neutral and slightly polar, at codon 33 of the DDX41 protein (p.Tyr33Cys). This variant is present in population databases (rs762082953, gnomAD 0.03%). This missense change has been observed in individual(s) with clinical features of DDX41-related conditions (PMID: 37506341). ClinVar contains an entry for this variant (Variation ID: 4010293). An algorithm developed to predict the effect of missense changes on protein structure and function (PolyPhen-2) suggests that this variant is likely to be disruptive. In summary, the available evidence is currently insufficient to determine the role of this variant in disease. Therefore, it has been classified as a Variant of Uncertain Significance.

Ambry Genetics
Classification: Uncertain significance for Inborn genetic diseases. Last evaluated: 2025-05-03. Review status: criteria provided, single submitter. Criteria: Ambry Variant Classification Scheme 2023. Collection method: clinical testing. Allele origin: germline.
Comment: The p.Y33C variant (also known as c.98A>G), located in coding exon 2 of the DDX41 gene, results from an A to G substitution at nucleotide position 98. The tyrosine at codon 33 is replaced by cysteine, an amino acid with highly dissimilar properties. This amino acid position is highly conserved in available vertebrate species. In addition, the in silico prediction for this alteration is inconclusive. Based on the available evidence, the clinical significance of this variant remains unclear.

Literature cited by the submitters: PubMed 37506341 (cited by Labcorp Genetics (formerly Invitae), Labcorp).